The following is an entry in ClinVar:

NM_020856.4(TSHZ3):c.2309A>G (p.Gln770Arg)

Gene: TSHZ3 (teashirt zinc finger homeobox 3; minus strand). Cytogenetic location: 19q12.
Variant type: single nucleotide variant.
Coding change: c.2309A>G on transcript NM_020856.4 (MANE Select); coding-DNA position 2309, A replaced by G.
Protein change: p.Gln770Arg; replaces glutamine 770 with arginine.
Molecular consequence: missense variant.
Genome position (GRCh38, 1-based): chr19:31,277,484, T>C on the plus strand (A>G on the coding strand, the complement: TSHZ3 is on the minus strand). VCF-style: chr19-31277484-T-C. GRCh37 (hg19) VCF-style: chr19-31768390-T-C.
Other names: c.2309A>G (NM_020856.3); short protein forms Q770R.
Identifiers: ClinVar variation 2392160 (VCV002392160.5), dbSNP rs371933427, ClinGen allele CA9354087.
Genomic context (GRCh38, chr19:31,277,484, plus strand): 5'-ATGGGCTGGTCGTTGTTGACGTGGTAGAAATAGCGGTCGAGGTGGTCTGCCTTCTTGGAC[T>C]GCAGGGGCGGCGGGGTGGCCACAGCAGCCTTCTCCGCCAGGCTGTTGCTCATCTTGAAAA-3'
Protein context (NP_065907.2, residues 760-780): KAAVATPPPL[Gln770Arg]SKKADHLDRY

ClinVar aggregate classification (germline): Uncertain significance. Review status: criteria provided, single submitter (1 of 4 stars). 2 submissions from 2 submitters: Uncertain significance (1). 1 of the submissions does not count toward it. Last evaluated 2025-03-10.

Conditions:
TSHZ3-related disorder. Also called: TSHZ3-related condition.

Allele frequency attached by ClinVar (database versions not stated): ExAC 0.00002; gnomAD 0.00003; TOPMed 0.00004; gnomAD exomes 0.00006; ESP Exome Variant Server 0.00008.
gnomAD v4.1: 90 of 1,610,996 alleles (0.0056%); highest among the groups gnomAD compares: Non-Finnish European, 0.0073%; no homozygotes.

Submissions (2):

Ambry Genetics
Classification: Uncertain significance. Last evaluated: 2025-03-10. Review status: criteria provided, single submitter. Criteria: Ambry Variant Classification Scheme 2023. Collection method: clinical testing. Allele origin: germline.

PreventionGenetics, part of Exact Sciences
Classification: Uncertain significance for TSHZ3-related condition. Last evaluated: 2024-01-22. Review status: no assertion criteria provided. Collection method: clinical testing. Allele origin: germline. Not counted in ClinVar's aggregate classification.
Comment: The TSHZ3 c.2309A>G variant is predicted to result in the amino acid substitution p.Gln770Arg. To our knowledge, this variant has not been reported in the literature. This variant is reported in 0.0057% of alleles in individuals of Latino descent in gnomAD. At this time, the clinical significance of this variant is uncertain due to the absence of conclusive functional and genetic evidence.